The following is an entry in ClinVar:

NM_014991.6(WDFY3):c.2309T>A (p.Ile770Asn)

Genes: WDFY3-AS1 (WDFY3 antisense RNA 1; plus strand), WDFY3 (WD repeat and FYVE domain containing 3; minus strand). Cytogenetic location: 4q21.23.
Variant type: single nucleotide variant.
Coding change: c.2309T>A on transcript NM_014991.6 (MANE Select); coding-DNA position 2309, T replaced by A.
Protein change: p.Ile770Asn; replaces isoleucine 770 with asparagine.
Molecular consequence: missense variant.
Genome position (GRCh38, 1-based): chr4:84,809,923, A>T on the plus strand (T>A on the coding strand, the complement: WDFY3 is on the minus strand). VCF-style: chr4-84809923-A-T. GRCh37 (hg19) VCF-style: chr4-85731076-A-T.
Other names: short protein forms I770N.
Identifiers: ClinVar variation 2654881 (VCV002654881.24), dbSNP rs2534271342, ClinGen allele CA357567474.

ClinVar aggregate classification (germline): Uncertain significance (1 of 4 stars; one submission).

Submission:

CeGaT Center for Human Genetics Tuebingen
Classification: Uncertain significance. Last evaluated: 2023-08-01. Review status: criteria provided, single submitter. Criteria: CeGaT Center For Human Genetics Tuebingen Variant Classification Criteria Version 2. Collection method: clinical testing. Allele origin: germline. Affected: yes. Observed: 1 variant allele.
Comment: WDFY3: PM2